The following is an entry in ClinVar:

ClinVar aggregate classification (germline): Pathogenic (1 of 4 stars; one submission).

Conditions:
Myofibrillar myopathy 5. Also called: FILAMINOPATHY, AUTOSOMAL DOMINANT; Filaminopathy (type). Identifiers: Orphanet 171445, MedGen C1836050, MONDO:0012289, OMIM 609524.
Distal myopathy with posterior leg and anterior hand involvement. Also called: WILLIAMS DISTAL MYOPATHY. Identifiers: Orphanet 63273, MedGen C3279722, MONDO:0013550, OMIM 614065.
Hypertrophic cardiomyopathy 26. Also called: Cardiomyopathy, familial hypertrophic, 26. Identifiers: Orphanet 75249, MedGen C4310749, MONDO:0014883, OMIM 617047.

Submission:

Labcorp Genetics (formerly Invitae), Labcorp
Classification: Pathogenic for Distal myopathy with posterior leg and anterior hand involvement; Myofibrillar myopathy 5; Hypertrophic cardiomyopathy 26. Last evaluated: 2021-08-03. Review status: criteria provided, single submitter. Criteria: Invitae Variant Classification Sherloc (09022015). Collection method: clinical testing. Allele origin: germline.
Comment: This variant has not been reported in the literature in individuals affected with FLNC-related conditions. For these reasons, this variant has been classified as Pathogenic. This variant is not present in population databases (ExAC no frequency). This sequence change creates a premature translational stop signal (p.Glu873*) in the FLNC gene. It is expected to result in an absent or disrupted protein product. Loss-of-function variants in FLNC are known to be pathogenic (PMID: 27908349).

Literature cited by the submitters: PubMed 27908349.

NM_001458.5(FLNC):c.2617G>T (p.Glu873Ter)

Gene: FLNC (filamin C; plus strand). Cytogenetic location: 7q32.1.
Variant type: single nucleotide variant.
Coding change: c.2617G>T on transcript NM_001458.5 (MANE Select); coding-DNA position 2617, G replaced by T.
Protein change: p.Glu873Ter; replaces glutamic acid 873 with a stop codon.
Molecular consequence: nonsense.
Genome position (GRCh38, 1-based): chr7:128,843,295, G>T. VCF-style: chr7-128843295-G-T. GRCh37 (hg19) VCF-style: chr7-128483349-G-T.
Other names: c.2617G>T, p.Glu873Ter (NM_001127487.2); short protein forms E873*.
Identifiers: ClinVar variation 1429310 (VCV001429310.6), dbSNP rs771092335, ClinGen allele CA369192541.